The following is an entry in ClinVar:

ClinVar aggregate classification (germline): Likely pathogenic (1 of 4 stars; one submission).

Submission:

GeneDx
Classification: Likely pathogenic. Last evaluated: 2017-09-20. Review status: criteria provided, single submitter. Criteria: GeneDx Variant Classification (06012015). Collection method: clinical testing. Allele origin: germline. Affected: yes.
Comment: Although the c.7931_7934dupGAGG likely pathogenic variant in the FBN1 gene has not been reported to our knowledge, this variant causes a shift in reading frame starting at codon cysteine 2646, changing it to an arginine, and creating a premature stop codon at position 7 of the new reading frame, denoted p.Cys2646ArgfsX7. This likely pathogenic variant is expected to result in either an abnormal, truncated protein product or loss of protein from this allele through nonsense-mediated mRNA decay. Other frameshift variants in the FBN1 gene have been reported in Human Gene Mutation Database in association with Marfan syndrome and other FBN1-related disorders (Stenson et al., 2014), indicating that loss of function is a mechanism of disease for this gene. Furthermore, the c.7931_7934dupGAGG variant has not been observed in large population cohorts (Lek et al., 2016).

NM_000138.5(FBN1):c.7931_7934dup (p.Cys2646fs)

Gene: FBN1 (fibrillin 1; minus strand). Cytogenetic location: 15q21.1.
Variant type: Duplication.
Coding change: c.7931_7934dup on transcript NM_000138.5 (MANE Select); coding-DNA positions 7931 to 7934, 4 bases duplicated (GAGG; older notation c.7931_7934dupGAGG).
Protein change: p.Cys2646fs; shifts the reading frame from cysteine 2646.
Molecular consequence: frameshift variant.
Genome position (GRCh38, 1-based): chr15:48,415,653-48,415,656, CCTC duplicated on the plus strand (GAGG on the coding strand, the reverse complement: FBN1 is on the minus strand); duplicating any 4 consecutive bases within chr15:48,415,653-48,415,657 gives the same sequence; the c. name uses the placement nearest the transcript's 3' end. VCF-style (leftmost placement, unchanged base first): chr15-48415652-T-TCCTC. GRCh37 (hg19) VCF-style: chr15-48707849-T-TCCTC.
Other names: c.7931_7934dupGAGG (NM_000138.4); short protein forms C2646fs.
Identifiers: ClinVar variation 452200 (VCV000452200.2), dbSNP rs1555393865, ClinGen allele CA658656464.